The following is an entry in ClinVar:

NM_001367624.2(ZNF469):c.8089A>G (p.Thr2697Ala)

Gene: ZNF469 (zinc finger protein 469; plus strand). Cytogenetic location: 16q24.2.
Variant type: single nucleotide variant.
Coding change: c.8089A>G on transcript NM_001367624.2 (MANE Select); coding-DNA position 8089, A replaced by G.
Protein change: p.Thr2697Ala; replaces threonine 2697 with alanine.
Molecular consequence: missense variant.
Genome position (GRCh38, 1-based): chr16:88,435,559, A>G. VCF-style: chr16-88435559-A-G. GRCh37 (hg19) VCF-style: chr16-88501967-A-G.
Other names: NM_001127464.1:c.8005A>G; NM_001127464.2:c.8005A>G; short protein forms T2697A.
Identifiers: ClinVar variation 1761616 (VCV001761616.5), dbSNP rs748426466, ClinGen allele CA8225308.

ClinVar aggregate classification (germline): Uncertain significance. Review status: criteria provided, multiple submitters, no conflicts (2 of 4 stars). 3 submissions from 3 submitters: Uncertain significance (3). Last evaluated 2026-08-07.

Conditions:
ZNF469-related disorder. Also called: ZNF469-related condition.
Cardiovascular phenotype. Identifiers: MedGen CN230736.

Allele frequency attached by ClinVar (database versions not stated): gnomAD 0.00002; TOPMed 0.00002; gnomAD exomes 0.00004; ExAC 0.00005.
gnomAD v4.1: 68 of 1,549,688 alleles (0.0044%); highest among the groups gnomAD compares: Non-Finnish European, 0.0051%; no homozygotes.

Submissions (3):

PreventionGenetics, part of Exact Sciences
Classification: Uncertain significance for ZNF469-related condition. Last evaluated: 2026-08-07. Review status: criteria provided, single submitter. Criteria: ACMG Guidelines, 2015. Collection method: clinical testing. Allele origin: germline.
Comment: The ZNF469 c.8005A>G variant is predicted to result in the amino acid substitution p.Thr2669Ala. To our knowledge, this variant has not been reported in the literature. This variant is reported in 0.0094% of alleles in individuals of European (Non-Finnish) descent in gnomAD. At this time, the clinical significance of this variant is uncertain due to the absence of conclusive functional and genetic evidence.

Labcorp Genetics (formerly Invitae), Labcorp
Classification: Uncertain significance. Last evaluated: 2023-12-21. Review status: criteria provided, single submitter. Criteria: Invitae Variant Classification Sherloc (09022015). Collection method: clinical testing. Allele origin: germline.
Comment: This sequence change replaces threonine, which is neutral and polar, with alanine, which is neutral and non-polar, at codon 2669 of the ZNF469 protein (p.Thr2669Ala). This variant is present in population databases (rs748426466, gnomAD 0.008%). This variant has not been reported in the literature in individuals affected with ZNF469-related conditions. ClinVar contains an entry for this variant (Variation ID: 1761616). An algorithm developed to predict the effect of missense changes on protein structure and function (PolyPhen-2) suggests that this variant¬†is likely to be tolerated. In summary, the available evidence is currently insufficient to determine the role of this variant in disease. Therefore, it has been classified as a Variant of Uncertain Significance.

Ambry Genetics
Classification: Uncertain significance for Cardiovascular phenotype. Last evaluated: 2023-06-17. Review status: criteria provided, single submitter. Criteria: Ambry Variant Classification Scheme 2023. Collection method: clinical testing. Allele origin: germline.
Comment: The p.T2669A variant (also known as c.8005A>G), located in coding exon 2 of the ZNF469 gene, results from an A to G substitution at nucleotide position 8005. The threonine at codon 2669 is replaced by alanine, an amino acid with similar properties. This amino acid position is poorly conserved in available vertebrate species. In addition, this alteration is predicted to be tolerated by in silico analysis. Since supporting evidence is limited at this time, the clinical significance of this alteration remains unclear.